The following is an entry in ClinVar:

NM_006164.5(NFE2L2):c.365T>G (p.Leu122Arg)

Gene: NFE2L2 (NFE2 like bZIP transcription factor 2; minus strand). Cytogenetic location: 2q31.2.
Variant type: single nucleotide variant.
Coding change: c.365T>G on transcript NM_006164.5 (MANE Select); coding-DNA position 365, T replaced by G.
Protein change: p.Leu122Arg; replaces leucine 122 with arginine.
Molecular consequence: missense variant. On other transcripts: intron variant (1).
Genome position (GRCh38, 1-based): chr2:177,233,287, A>C on the plus strand (T>G on the coding strand, the complement: NFE2L2 is on the minus strand). VCF-style: chr2-177233287-A-C. GRCh37 (hg19) VCF-style: chr2-178098015-A-C.
Other names: c.317T>G, p.Leu106Arg (NM_001145412.3, NM_001145413.3, NM_001313900.1 and 1 more transcripts); c.146T>G, p.Leu49Arg (NM_001313903.2); c.65T>G, p.Leu22Arg (NM_001313904.1); c.313-704T>G (NM_001313902.2); short protein forms L106R, L122R, L22R, L49R.
Identifiers: ClinVar variation 1714407 (VCV001714407.5), dbSNP rs2468291631, ClinGen allele CA349379563.

ClinVar aggregate classification (germline): Uncertain significance (1 of 4 stars; one submission).

Submission:

Labcorp Genetics (formerly Invitae), Labcorp
Classification: Uncertain significance. Last evaluated: 2022-07-15. Review status: criteria provided, single submitter. Criteria: Invitae Variant Classification Sherloc (09022015). Collection method: clinical testing. Allele origin: germline.
Comment: This sequence change replaces leucine, which is neutral and non-polar, with arginine, which is basic and polar, at codon 122 of the NFE2L2 protein (p.Leu122Arg). This variant is not present in population databases (gnomAD no frequency). This variant has not been reported in the literature in individuals affected with NFE2L2-related conditions. Algorithms developed to predict the effect of missense changes on protein structure and function are either unavailable or do not agree on the potential impact of this missense change (SIFT: "Deleterious"; PolyPhen-2: "Probably Damaging"; Align-GVGD: "Class C0"). In summary, the available evidence is currently insufficient to determine the role of this variant in disease. Therefore, it has been classified as a Variant of Uncertain Significance.